The following is an entry in ClinVar:

NM_000051.4(ATM):c.1715_1716insTTTTTTTTTTTTTTTTTTTTNNNNNNNNNNATACATGTGCCATGCTGGTGCGCTGCACCCACTAATGTGTCATCTAGCATTAGGTATATCTCCCAATGCTATCCTTTCTTT (p.Ser571_Leu572insPhePhePhePhePhePhePheXaaXaaXaaXaaTyrMetCysHisAlaGlyAlaLeuHisProLeuMetCysHisLeuAlaLeuGlyIleSerProAsnAlaIleLeuSer)

Gene: ATM (ATM serine/threonine kinase; plus strand). Cytogenetic location: 11q22.3.
Variant type: Insertion.
Coding change: c.1715_1716insTTTTTTTTTTTTTTTTTTTTNNNNNNNNNNATACATGTGCCATGCTGGTGCGCTGCACCCACTAATGTGTCATCTAGCATTAGGTATATCTCCCAATGCTATCCTTTCTTT on transcript NM_000051.4 (MANE Select); coding-DNA positions 1715 to 1716, TTTTTTTTTTTTTTTTTTTTNNNNNNNNNNATACATGTGCCATGCTGGTGCGCTGCACCCACTAATGTGTCATCTAGCATTAGGTATATCTCCCAATGCTATCCTTTCTTT inserted.
Protein change: p.Ser571_Leu572insPhePhePhePhePhePhePheXaaXaaXaaXaaTyrMetCysHisAlaGlyAlaLeuHisProLeuMetCysHisLeuAlaLeuGlyIleSerProAsnAlaIleLeuSer.
Molecular consequence: inframe insertion.
Genome position: GRCh38: chr11:108,251,944-108,251,945. GRCh37 (hg19): chr11:108,122,671-108,122,672.
Other names: c.1715_1716insTTTTTTTTTTTTTTTTTTTTNNNNNNNNNNATACATGTGCCATGCTGGTGCGCTGCACCCACTAATGTGTCATCTAGCATTAGGTATATCTCCCAATGCTATCCTTTCTTT, p.Ser571_Leu572insPhePhePhePhePhePhePheXaaXaaXaaXaaTyrMetCysHisAlaGlyAlaLeuHisProLeuMetCysHisLeuAlaLeuGlyIleSerProAsnAlaIleLeuSer (NM_001351834.2).
Identifiers: ClinVar variation 2763785 (VCV002763785.3), dbSNP rs2497270893.

ClinVar aggregate classification (germline): Pathogenic (1 of 4 stars; one submission).

Conditions:
Ataxia-telangiectasia syndrome (AT). Also called: Ataxia-telangiectasia, complementation group D; LOUIS-BAR SYNDROME; ATAXIA-TELANGIECTASIA, COMPLEMENTATION GROUP A; ATAXIA-TELANGIECTASIA, FRESNO VARIANT; Ataxia telangiectasia (A-T); Cerebello-oculocutaneous telangiectasia. Identifiers: Orphanet 100, MedGen C0004135, MONDO:0008840, OMIM 208900.

Submission:

Labcorp Genetics (formerly Invitae), Labcorp
Classification: Pathogenic for Ataxia-telangiectasia syndrome. Last evaluated: 2023-09-26. Review status: criteria provided, single submitter. Criteria: Invitae Variant Classification Sherloc (09022015). Collection method: clinical testing. Allele origin: germline.
Comment: This sequence change inserts a large fragment of DNA, likely a transposable element, in exon 11 of the ATM gene (c.1715_1716ins?), causing a frameshift at codon 572 (p.Leu572fs). The exact size and sequence of the insertion cannot be determined by the current assay. However, the insertion is expected to result in an absent or disrupted protein product. This variant is not present in population databases (gnomAD no frequency). This variant has not been reported in the literature in individuals affected with ATM-related conditions. Retrotransposon insertions including LINE1 (L1), Alu, and SVA (SINE-VNTR-Alu) have been reported to be disease-causing through disruption of either a coding region or splice site (PMID: 19763152, 20307669, 22406018) and loss-of-function variants in ATM are known to be pathogenic (PMID: 23807571, 25614872). For these reasons, this variant has been classified as Pathogenic.

Literature cited by the submitters: PubMed 19763152; PubMed 20307669; PubMed 22406018; PubMed 23807571; PubMed 25614872.